The following is an entry in ClinVar:

NM_002528.7(NTHL1):c.709A>C (p.Ile237Leu)

Gene: NTHL1 (nth like DNA glycosylase 1; minus strand). Cytogenetic location: 16p13.3.
Variant type: single nucleotide variant.
Coding change: c.709A>C on transcript NM_002528.7 (MANE Select); coding-DNA position 709, A replaced by C.
Protein change: p.Ile237Leu; replaces isoleucine 237 with leucine.
Molecular consequence: missense variant.
Genome position (GRCh38, 1-based): chr16:2,040,215, T>G on the plus strand (A>C on the coding strand, the complement: NTHL1 is on the minus strand). VCF-style: chr16-2040215-T-G. GRCh37 (hg19) VCF-style: chr16-2090216-T-G.
Other names: c.538A>C, p.Ile180Leu (NM_001318193.2); c.379A>C, p.Ile127Leu (NM_001318194.2); short protein forms I127L, I180L, I237L.
Identifiers: ClinVar variation 4729220 (VCV004729220.1).

ClinVar aggregate classification (germline): Uncertain significance (1 of 4 stars; one submission).

Submission:

Labcorp Genetics (formerly Invitae), Labcorp
Classification: Uncertain significance. Last evaluated: 2025-10-14. Review status: criteria provided, single submitter. Criteria: Invitae Variant Classification Sherloc (09022015). Collection method: clinical testing. Allele origin: germline.
Comment: This sequence change replaces isoleucine, which is neutral and non-polar, with leucine, which is neutral and non-polar, at codon 245 of the NTHL1 protein (p.Ile245Leu). This variant is not present in population databases (gnomAD no frequency). This variant has not been reported in the literature in individuals affected with NTHL1-related conditions. An algorithm developed to predict the effect of missense changes on protein structure and function (PolyPhen-2) suggests that this variant is likely to be disruptive. In summary, the available evidence is currently insufficient to determine the role of this variant in disease. Therefore, it has been classified as a Variant of Uncertain Significance.